The following is an entry in ClinVar:

NM_004380.3(CREBBP):c.3432A>G (p.Thr1144=)

Gene: CREBBP (CREB binding lysine acetyltransferase; minus strand). Cytogenetic location: 16p13.3.
Variant type: single nucleotide variant.
Coding change: c.3432A>G on transcript NM_004380.3 (MANE Select); coding-DNA position 3432, A replaced by G.
Protein change: p.Thr1144=; no amino-acid change (threonine 1144 retained).
Molecular consequence: synonymous variant.
Genome position (GRCh38, 1-based): chr16:3,757,986, T>C on the plus strand (A>G on the coding strand, the complement: CREBBP is on the minus strand). VCF-style: chr16-3757986-T-C. GRCh37 (hg19) VCF-style: chr16-3807987-T-C.
Other names: c.3318A>G, p.Thr1106= (NM_001079846.1); c.3432A>G (NM_004380.2).
Identifiers: ClinVar variation 4928353 (VCV004928353.2).
Genomic context (GRCh38, chr16:3,757,986, plus strand): 5'-GGCATTGTTGAACATGAGCCAGACGTCGTCCACGTACTGCCAGGGCTCTTGGTATTGCCC[T>C]GTGTCCAGCTTCCGCTTGATGGTGGAGAGGTCCATGGGATTCTTTACGATGTCAAAATAG-3'
Protein context (NP_004371.2, residues 1134-1154): DLSTIKRKLD[Thr1144=]GQYQEPWQYV

ClinVar aggregate classification (germline): Likely benign. Review status: criteria provided, multiple submitters, no conflicts (2 of 4 stars). 2 submissions from 2 submitters: Likely benign (2). Last evaluated 2026-07-23.

Conditions:
CREBBP-related disorder. Also called: CREBBP-related disorders; CREBBP-related condition.

Submissions (2):

PreventionGenetics, part of Exact Sciences
Classification: Likely benign for CREBBP-related condition. Last evaluated: 2026-07-23. Review status: criteria provided, single submitter. Criteria: ACMG Guidelines, 2015. Collection method: clinical testing. Allele origin: germline.
Comment: This variant is classified as likely benign based on ACMG/AMP sequence variant interpretation guidelines (Richards et al. 2015 PMID: 25741868, with internal and published modifications).

Blueprint Genetics
Classification: Likely benign. Last evaluated: 2020-12-07. Review status: criteria provided, single submitter. Criteria: ACMG Guidelines, 2015. Collection method: clinical testing. Allele origin: germline.